The following is an entry in ClinVar:

ClinVar aggregate classification (germline): Uncertain significance (1 of 4 stars; one submission).

Conditions:
Cardiovascular phenotype. Identifiers: MedGen CN230736.

Submission:

Ambry Genetics
Classification: Uncertain significance for Cardiovascular phenotype. Last evaluated: 2024-03-27. Review status: criteria provided, single submitter. Criteria: Ambry Variant Classification Scheme 2023. Collection method: clinical testing. Allele origin: germline.
Comment: The p.N1037H variant (also known as c.3109A>C), located in coding exon 20 of the TRPM4 gene, results from an A to C substitution at nucleotide position 3109. The asparagine at codon 1037 is replaced by histidine, an amino acid with similar properties. This amino acid position is conserved. In addition, this alteration is predicted to be tolerated by in silico analysis. Based on the available evidence, the clinical significance of this alteration remains unclear.

NM_017636.4(TRPM4):c.3109A>C (p.Asn1037His)

Gene: TRPM4 (transient receptor potential cation channel subfamily M member 4; plus strand). Cytogenetic location: 19q13.33.
Variant type: single nucleotide variant.
Coding change: c.3109A>C on transcript NM_017636.4 (MANE Select); coding-DNA position 3109, A replaced by C.
Protein change: p.Asn1037His; replaces asparagine 1037 with histidine.
Molecular consequence: missense variant.
Genome position (GRCh38, 1-based): chr19:49,202,119, A>C. VCF-style: chr19-49202119-A-C. GRCh37 (hg19) VCF-style: chr19-49705376-A-C.
Other names: c.2674A>C, p.Asn892His (NM_001195227.2); c.2764A>C, p.Asn922His (NM_001321281.2); c.1501A>C, p.Asn501His (NM_001321282.2); c.2587A>C, p.Asn863His (NM_001321283.2); c.2047A>C, p.Asn683His (NM_001321285.2); short protein forms N1037H, N863H, N892H, N683H, N922H, N501H.
Identifiers: ClinVar variation 3329232 (VCV003329232.1).